The following is an entry in ClinVar:

ClinVar aggregate classification (germline): Uncertain significance (1 of 4 stars; one submission).

Conditions:
Perlman syndrome (PRLMNS). Identifiers: Orphanet 2849, MedGen C0796113, MONDO:0009965, OMIM 267000.

Allele frequency attached by ClinVar (database versions not stated): gnomAD exomes below 0.00001.
gnomAD v4.1: 4 of 1,614,010 alleles (0.00025%); highest among the groups gnomAD compares: Non-Finnish European, 0.00034%; no homozygotes.

Submission:

Labcorp Genetics (formerly Invitae), Labcorp
Classification: Uncertain significance for Perlman syndrome. Last evaluated: 2022-03-14. Review status: criteria provided, single submitter. Criteria: Invitae Variant Classification Sherloc (09022015). Collection method: clinical testing. Allele origin: germline.
Comment: In summary, the available evidence is currently insufficient to determine the role of this variant in disease. Therefore, it has been classified as a Variant of Uncertain Significance. Algorithms developed to predict the effect of missense changes on protein structure and function output the following: SIFT: "Tolerated"; PolyPhen-2: "Benign"; Align-GVGD: "Class C0". The valine amino acid residue is found in multiple mammalian species, which suggests that this missense change does not adversely affect protein function. ClinVar contains an entry for this variant (Variation ID: 956172). This variant has not been reported in the literature in individuals affected with DIS3L2-related conditions. This variant is not present in population databases (gnomAD no frequency). This sequence change replaces isoleucine, which is neutral and non-polar, with valine, which is neutral and non-polar, at codon 516 of the DIS3L2 protein (p.Ile516Val).

NM_152383.5(DIS3L2):c.1546A>G (p.Ile516Val)

Gene: DIS3L2 (DIS3 like 3'-5' exoribonuclease 2; plus strand). Cytogenetic location: 2q37.1.
Variant type: single nucleotide variant.
Coding change: c.1546A>G on transcript NM_152383.5 (MANE Select); coding-DNA position 1546, A replaced by G.
Protein change: p.Ile516Val; replaces isoleucine 516 with valine.
Molecular consequence: missense variant. On other transcripts: non-coding transcript variant (2).
Genome position (GRCh38, 1-based): chr2:232,263,327, A>G. VCF-style: chr2-232263327-A-G. GRCh37 (hg19) VCF-style: chr2-233128037-A-G.
Other names: c.1546A>G, p.Ile516Val (NM_001257281.2); short protein forms I516V.
Identifiers: ClinVar variation 956172 (VCV000956172.7), dbSNP rs183901077, ClinGen allele CA350975497.